The following is an entry in ClinVar:

ClinVar aggregate classification (germline): Uncertain significance (1 of 4 stars; one submission).

Conditions:
Atrial septal defect 6 (ASD6). Identifiers: Orphanet 1478, MedGen C2751315, MONDO:0013123, OMIM 613087.

Allele frequency attached by ClinVar (database versions not stated): gnomAD exomes below 0.00001 and 0.00001; TOPMed below 0.00001.
gnomAD v4.1: 4 of 1,612,954 alleles (0.00025%); highest among the groups gnomAD compares: Admixed American, 0.005%; no homozygotes.

Submission:

New York Genome Center
Classification: Uncertain significance for Atrial septal defect 6. Last evaluated: 2020-05-07. Review status: criteria provided, single submitter. Criteria: NYGC Assertion Criteria 2020. Collection method: clinical testing. Allele origin: germline. Observed: 1 heterozygote. Study: CSER-NYCKidSeq.
Comment: The c.2993T>A,p.Ile998Lys variant in the TLL1 gene has not been reported in the literature in individuals with Atrial septal defect 6. The variant has 0.0004% allele frequency in the gnomAD database (1 out of 250,280 heterozygous alleles), indicating this is a rare allele. In silico tools, SIFT, PolyPhen, REVEL,and CADD predict conflicting evidence of pathogenicity. Based on the available evidence, the c.2993T>A,p.Ile998Lys variant in the TLL1 gene is classified as Variant of Uncertain Significance.

NM_012464.5(TLL1):c.2993T>A (p.Ile998Lys)

Gene: TLL1 (tolloid like 1; plus strand). Cytogenetic location: 4q32.3.
Variant type: single nucleotide variant.
Coding change: c.2993T>A on transcript NM_012464.5 (MANE Select); coding-DNA position 2993, T replaced by A.
Protein change: p.Ile998Lys; replaces isoleucine 998 with lysine.
Molecular consequence: missense variant.
Genome position (GRCh38, 1-based): chr4:166,100,827, T>A. VCF-style: chr4-166100827-T-A. GRCh37 (hg19) VCF-style: chr4-167021979-T-A.
Other names: short protein forms I998K.
Identifiers: ClinVar variation 1325537 (VCV001325537.1), dbSNP rs1408093373, ClinGen allele CA358683724.